The following is an entry in ClinVar:

ClinVar aggregate classification (germline): Conflicting classifications of pathogenicity. Review status: criteria provided, conflicting classifications (1 of 4 stars). 9 submissions from 9 submitters: Uncertain significance (1); Benign (1); Likely benign (6). 1 of the submissions does not count toward it. Last evaluated 2026-02-03.

Conditions:
TTN-related disorder. Also called: TTN-related condition; TTN-related disease; TTN-related disorders.
Cardiovascular phenotype. Identifiers: MedGen CN230736.
Autosomal recessive limb-girdle muscular dystrophy type 2J (LGMDR10). Also called: Limb-girdle muscular dystrophy, type 2J; MUSCULAR DYSTROPHY, LIMB-GIRDLE, AUTOSOMAL RECESSIVE 10. Identifiers: Orphanet 140922, MedGen C1837342, MONDO:0012127, OMIM 608807.
Dilated cardiomyopathy 1G (CMD1G). Identifiers: Orphanet 154, MedGen C1858763, MONDO:0011400, OMIM 604145.
Cardiomyopathy (CMYO). Also called: Cardiomyopathies. Identifiers: Orphanet 167848, MedGen C0878544, MONDO:0004994, HP:0001638. Inheritance: Various modes of inheritance.
Hypertrophic cardiomyopathy. Also called: HYPERTROPHIC MYOCARDIOPATHY. Identifiers: Orphanet 217569, MedGen C0007194, MeSH D002312, MONDO:0005045, HP:0001639.

Allele frequency attached by ClinVar (database versions not stated): gnomAD below 0.00001 and 0.00014; TOPMed 0.00001; gnomAD exomes 0.00025 and 0.00052; ExAC 0.00055; 1000 Genomes Project 30x 0.00109; 1000 Genomes Project 0.00140.
gnomAD v4.1: 382 of 1,613,368 alleles (0.024%); highest among the groups gnomAD compares: South Asian, 0.4%; 5 homozygotes.

Submissions (9):

Labcorp Genetics (formerly Invitae), Labcorp
Classification: Likely benign for Dilated cardiomyopathy 1G; Autosomal recessive limb-girdle muscular dystrophy type 2J. Last evaluated: 2026-02-03. Review status: criteria provided, single submitter. Criteria: Invitae Variant Classification Sherloc (09022015). Collection method: clinical testing. Allele origin: germline.

Blueprint Genetics
Classification: Likely benign. Last evaluated: 2024-11-01. Review status: criteria provided, single submitter. Criteria: ACMG Guidelines, 2015. Collection method: clinical testing. Allele origin: germline.

Women's Health and Genetics/Laboratory Corporation of America, LabCorp
Classification: Likely benign. Last evaluated: 2022-04-04. Review status: criteria provided, single submitter. Criteria: LabCorp Variant Classification Summary - May 2015. Collection method: clinical testing. Allele origin: germline.

GeneDx
Classification: Benign. Last evaluated: 2020-03-25. Review status: criteria provided, single submitter. Criteria: GeneDx Variant Classification Process June 2021. Collection method: clinical testing. Allele origin: germline. Affected: yes.

Ambry Genetics
Classification: Likely benign for Cardiovascular phenotype. Last evaluated: 2018-09-12. Review status: criteria provided, single submitter. Criteria: Ambry Variant Classification Scheme 2023. Collection method: clinical testing. Allele origin: germline.

CHEO Genetics Diagnostic Laboratory, Children's Hospital of Eastern Ontario
Classification: Uncertain significance for Cardiomyopathy. Last evaluated: 2016-10-27. Review status: criteria provided, single submitter. Criteria: ACMG Guidelines, 2015. Collection method: clinical testing. Allele origin: germline. Study: Canadian Open Genetics Repository.

Eurofins Ntd Llc (ga)
Classification: Likely benign. Last evaluated: 2015-09-23. Review status: criteria provided, single submitter. Criteria: EGL Classification Definitions 2015. Collection method: clinical testing. Allele origin: germline. Observed: 2 variant alleles, 2 heterozygotes.

Genetics and Genomics Program, Sidra Medicine
Classification: Likely benign for Hypertrophic cardiomyopathy. Review status: criteria provided, single submitter. Criteria: ACMG Guidelines, 2015. Collection method: research. Allele origin: unknown. Affected: yes. Observed: 1 variant allele.

PreventionGenetics, part of Exact Sciences
Classification: Likely benign for TTN-related condition. Last evaluated: 2022-01-31. Review status: no assertion criteria provided. Collection method: clinical testing. Allele origin: germline. Not counted in ClinVar's aggregate classification.
Comment: This variant is classified as likely benign based on ACMG/AMP sequence variant interpretation guidelines (Richards et al. 2015 PMID: 25741868, with internal and published modifications).

NM_001267550.2(TTN):c.78068T>C (p.Ile26023Thr)

Genes: TTN (titin; minus strand), TTN-AS1 (TTN antisense RNA 1; plus strand). Cytogenetic location: 2q31.2.
Variant type: single nucleotide variant.
Coding change: c.78068T>C on transcript NM_001267550.2 (MANE Select); coding-DNA position 78068, T replaced by C.
Protein change: p.Ile26023Thr; replaces isoleucine 26023 with threonine.
Molecular consequence: missense variant.
Genome position (GRCh38, 1-based): chr2:178,568,064, A>G on the plus strand (T>C on the coding strand, the complement: TTN is on the minus strand). VCF-style: chr2-178568064-A-G. GRCh37 (hg19) VCF-style: chr2-179432791-A-G.
Other names: c.73145T>C, p.Ile24382Thr (NM_001256850.1); c.50873T>C, p.Ile16958Thr (NM_003319.4); c.70364T>C, p.Ile23455Thr (NM_133378.4); c.51248T>C, p.Ile17083Thr (NM_133432.3); c.51449T>C, p.Ile17150Thr (NM_133437.4); short protein forms I24382T, I26023T, I23455T, I16958T, I17150T, I17083T.
Identifiers: ClinVar variation 283480 (VCV000283480.24), dbSNP rs572384303, ClinGen allele CA1989666.
Genomic context (GRCh38, chr2:178,568,064, plus strand): 5'-GTTTTGTTGACCTTTGTCCACAAAATACTGTTTCTTTCTTTTCTCTCCAGGTGGTAACCT[A>G]TGACGGGGCTTCCACCATTGTTGACTGGTTCATGCCACTGTATGACCATGGAGTCTTTGG-3'
Protein context (NP_001254479.2, residues 26013-26033): EPVNNGGSPV[Ile26023Thr]GYHLERKERN